The following is an entry in ClinVar:

NM_005033.3(EXOSC9):c.581T>G (p.Val194Gly)

Gene: EXOSC9 (exosome component 9; plus strand). Cytogenetic location: 4q27.
Variant type: single nucleotide variant.
Coding change: c.581T>G on transcript NM_005033.3 (MANE Select); coding-DNA position 581, T replaced by G.
Protein change: p.Val194Gly; replaces valine 194 with glycine.
Molecular consequence: missense variant.
Genome position (GRCh38, 1-based): chr4:121,807,598, T>G. VCF-style: chr4-121807598-T-G. GRCh37 (hg19) VCF-style: chr4-122728753-T-G.
Other names: c.581T>G, p.Val194Gly (NM_001034194.2); short protein forms V194G.
Identifiers: ClinVar variation 4854559 (VCV004854559.1).
Genomic context (GRCh38, chr4:121,807,598, plus strand): 5'-AGTATACACCTGAAGAGCGTGATCCTGTACCATTAAGTATCCACCACATGCCCATTTGTG[T>G]CAGTTTTGCCTTTTTCCAGCAAGGGTAAGCCTCGCCTTATTATGGGCCAAAATTACAAAT-3'
Protein context (NP_005024.2, residues 184-204): PLSIHHMPIC[Val194Gly]SFAFFQQGTY

ClinVar aggregate classification (germline): Uncertain significance (1 of 4 stars; one submission).

Conditions:
Pontocerebellar hypoplasia, type 1D. Identifiers: MedGen C4748058, MONDO:0054844, OMIM 618065.

Submission:

3billion
Classification: Uncertain significance for Pontocerebellar hypoplasia, type 1D. Last evaluated: 2025-08-28. Review status: criteria provided, single submitter. Criteria: ACMG Guidelines, 2015. Collection method: clinical testing. Allele origin: germline. Affected: yes.
Comment: The variant is not observed in the gnomAD v4.1.0 dataset. Predicted Consequence/Location: Missense variant. The majority of the known disease-causing variants of this gene are variants expected to result in premature termination of the protein. In silico tool predictions suggest damaging effect of the variant on gene or gene product [REVEL: 0.60 (>=0.6, sensitivity 0.68 and specificity 0.92]. Therefore, this variant is classified as VUS according to the recommendation of ACMG/AMP guideline.